The following is an entry in ClinVar:

NM_001161352.2(KCNMA1):c.809G>A (p.Gly270Asp)

Gene: KCNMA1 (potassium calcium-activated channel subfamily M alpha 1; minus strand). Cytogenetic location: 10q22.3.
Variant type: single nucleotide variant.
Coding change: c.809G>A on transcript NM_001161352.2 (MANE Select); coding-DNA position 809, G replaced by A.
Protein change: p.Gly270Asp; replaces glycine 270 with aspartic acid.
Molecular consequence: missense variant.
Genome position (GRCh38, 1-based): chr10:77,121,048, C>T on the plus strand (G>A on the coding strand, the complement: KCNMA1 is on the minus strand). VCF-style: chr10-77121048-C-T. GRCh37 (hg19) VCF-style: chr10-78880806-C-T.
Other names: c.809G>A, p.Gly270Asp (NM_001014797.3, NM_001161353.2, NM_001271519.2 and 7 more transcripts); c.647G>A, p.Gly216Asp (NM_001271518.2); c.269G>A, p.Gly90Asp (NM_001322838.2); short protein forms G270D, G90D, G216D.
Identifiers: ClinVar variation 451551 (VCV000451551.13), dbSNP rs1554841751, ClinGen allele CA377404647.

ClinVar aggregate classification (germline): Conflicting classifications of pathogenicity. Review status: criteria provided, conflicting classifications (1 of 4 stars). 2 submissions from 2 submitters: Likely pathogenic (1); Uncertain significance (1). Last evaluated 2024-03-15.

Conditions:
Generalized epilepsy-paroxysmal dyskinesia syndrome (PNKD3). Also called: Generalized epilepsy and paroxysmal dyskinesia; Paroxysmal nonkinesigenic dyskinesia, 3, with or without generalized epilepsy. Identifiers: Orphanet 79137, MedGen C5574945, MONDO:0012276, OMIM 609446.

Submissions (2):

Labcorp Genetics (formerly Invitae), Labcorp
Classification: Uncertain significance for Generalized epilepsy-paroxysmal dyskinesia syndrome. Last evaluated: 2024-03-15. Review status: criteria provided, single submitter. Criteria: Invitae Variant Classification Sherloc (09022015). Collection method: clinical testing. Allele origin: germline.
Comment: This sequence change replaces glycine, which is neutral and non-polar, with aspartic acid, which is acidic and polar, at codon 270 of the KCNMA1 protein (p.Gly270Asp). This variant is not present in population databases (gnomAD no frequency). This variant has not been reported in the literature in individuals affected with KCNMA1-related conditions. ClinVar contains an entry for this variant (Variation ID: 451551). An algorithm developed to predict the effect of missense changes on protein structure and function (PolyPhen-2) suggests that this variant is likely to be disruptive. In summary, the available evidence is currently insufficient to determine the role of this variant in disease. Therefore, it has been classified as a Variant of Uncertain Significance.

GeneDx
Classification: Likely pathogenic. Last evaluated: 2022-09-26. Review status: criteria provided, single submitter. Criteria: GeneDx Variant Classification Process June 2021. Collection method: clinical testing. Allele origin: germline. Affected: yes.
Comment: Not observed at significant frequency in large population cohorts (gnomAD); In silico analysis supports that this missense variant has a deleterious effect on protein structure/function; Has not been previously published as pathogenic or benign to our knowledge